The following is an entry in ClinVar:

ClinVar aggregate classification (germline): Conflicting classifications of pathogenicity. Review status: criteria provided, conflicting classifications (1 of 4 stars). 2 submissions from 2 submitters: Likely pathogenic (1); Uncertain significance (1). Last evaluated 2026-06-30.

Conditions:
Ectodermal dysplasia 11A, hypohidrotic/hair/tooth type, autosomal dominant. Identifiers: Orphanet 1810, Orphanet 238468, MedGen C3541517, MONDO:0013982, OMIM 614940.
Ectodermal dysplasia 11B, hypohidrotic/hair/tooth type, autosomal recessive. Identifiers: Orphanet 238468, Orphanet 248, MedGen C3539920, MONDO:0013983, OMIM 614941.

Allele frequency attached by ClinVar (database versions not stated): gnomAD exomes 0.00004 and 0.00001; gnomAD 0.00002; TOPMed 0.00004.
gnomAD v4.1: 22 of 1,614,044 alleles (0.0014%); highest among the groups gnomAD compares: Admixed American, 0.017%; no homozygotes.

Submissions (2):

GeneDx
Classification: Likely pathogenic. Last evaluated: 2026-06-30. Review status: criteria provided, single submitter. Criteria: GeneDx Variant Classification Process June 2021. Collection method: clinical testing. Allele origin: germline.
Comment: In silico analysis supports that this missense variant has a deleterious effect on protein structure/function; Missense variants in this gene are a common cause of disease and they are underrepresented in the general population; This variant is associated with the following publications: (PMID: 33502802)

Labcorp Genetics (formerly Invitae), Labcorp
Classification: Uncertain significance for Ectodermal dysplasia 11B, hypohidrotic/hair/tooth type, autosomal recessive; Ectodermal dysplasia 11A, hypohidrotic/hair/tooth type, autosomal dominant. Last evaluated: 2026-01-26. Review status: criteria provided, single submitter. Criteria: Invitae Variant Classification Sherloc (09022015). Collection method: clinical testing. Allele origin: germline.
Comment: This sequence change replaces proline, which is neutral and non-polar, with leucine, which is neutral and non-polar, at codon 131 of the EDARADD protein (p.Pro131Leu). This variant is present in population databases (no rsID available, gnomAD 0.02%). This missense change has been observed in individual(s) with autosomal recessive ectodermal dysplasia (PMID: 33502802). ClinVar contains an entry for this variant (Variation ID: 843361). An algorithm developed to predict the effect of missense changes on protein structure and function (PolyPhen-2) suggests that this variant is likely to be disruptive. In summary, the available evidence is currently insufficient to determine the role of this variant in disease. Therefore, it has been classified as a Variant of Uncertain Significance.

Literature cited by the submitters: PubMed 33502802 (cited by Labcorp Genetics (formerly Invitae), Labcorp).

NM_145861.4(EDARADD):c.392C>T (p.Pro131Leu)

Gene: EDARADD (EDAR associated via death domain; plus strand). Cytogenetic location: 1q43.
Variant type: single nucleotide variant.
Coding change: c.392C>T on transcript NM_145861.4 (MANE Select); coding-DNA position 392, C replaced by T.
Protein change: p.Pro131Leu; replaces proline 131 with leucine.
Molecular consequence: missense variant.
Genome position (GRCh38, 1-based): chr1:236,482,393, C>T. VCF-style: chr1-236482393-C-T. GRCh37 (hg19) VCF-style: chr1-236645693-C-T.
Other names: c.326C>T, p.Pro109Leu (NM_001422628.1); c.362C>T, p.Pro121Leu (NM_080738.5); short protein forms P121L, P131L, P109L.
Identifiers: ClinVar variation 843361 (VCV000843361.9), dbSNP rs1005957166, ClinGen allele CA39702020.